The following is an entry in ClinVar:

ClinVar aggregate classification (germline): Likely pathogenic (1 of 4 stars; one submission).

Conditions:
Dilated cardiomyopathy 1G (CMD1G). Identifiers: Orphanet 154, MedGen C1858763, MONDO:0011400, OMIM 604145.
Autosomal recessive limb-girdle muscular dystrophy type 2J (LGMDR10). Also called: Limb-girdle muscular dystrophy, type 2J; MUSCULAR DYSTROPHY, LIMB-GIRDLE, AUTOSOMAL RECESSIVE 10. Identifiers: Orphanet 140922, MedGen C1837342, MONDO:0012127, OMIM 608807.

Submission:

Labcorp Genetics (formerly Invitae), Labcorp
Classification: Likely pathogenic for Dilated cardiomyopathy 1G; Autosomal recessive limb-girdle muscular dystrophy type 2J. Last evaluated: 2024-12-18. Review status: criteria provided, single submitter. Criteria: Invitae Variant Classification Sherloc (09022015). Collection method: clinical testing. Allele origin: germline.
Comment: This sequence change creates a premature translational stop signal (p.Gln22027Hisfs*4) in the TTN gene. While this is not anticipated to result in nonsense mediated decay, it is expected to create a truncated TTN protein. This variant is not present in population databases (gnomAD no frequency). This premature translational stop signal has been observed in individual(s) with dilated cardiomyopathy (PMID: 36578016; internal data). This variant is located in the A band of TTN (PMID: 25589632). Truncating variants in this region are significantly overrepresented in patients affected with dilated cardiomyopathy (PMID: 25589632). Truncating variants in this region have also been reported in individuals affected with autosomal recessive centronuclear myopathy (PMID: 23975875). In summary, the currently available evidence indicates that the variant is pathogenic, but additional data are needed to prove that conclusively. Therefore, this variant has been classified as Likely Pathogenic.

Literature cited by the submitters: PubMed 36578016; PubMed 25589632; PubMed 23975875.

NM_001267550.2(TTN):c.66081_66088del (p.Gln22027fs)

Genes: TTN (titin; minus strand), TTN-AS1 (TTN antisense RNA 1; plus strand). Cytogenetic location: 2q31.2.
Variant type: Deletion.
Coding change: c.66081_66088del on transcript NM_001267550.2 (MANE Select); coding-DNA positions 66081 to 66088, 8 bases deleted (GTTCCGTA; older notation c.66081_66088delGTTCCGTA).
Protein change: p.Gln22027fs; shifts the reading frame from glutamine 22027.
Molecular consequence: frameshift variant.
Genome position (GRCh38, 1-based): chr2:178,582,368-178,582,375, TACGGAAC deleted on the plus strand (GTTCCGTA on the coding strand, the reverse complement: TTN is on the minus strand); deleting any 8 consecutive bases within chr2:178,582,368-178,582,376 gives the same sequence; the c. name uses the placement nearest the transcript's 3' end. VCF-style (leftmost placement, unchanged base first): chr2-178582367-ATACGGAAC-A. GRCh37 (hg19) VCF-style: chr2-179447094-ATACGGAAC-A.
Other names: c.61158_61165del, p.Gln20386fs (NM_001256850.1); c.38886_38893del, p.Gln12962fs (NM_003319.4); c.58377_58384del, p.Gln19459fs (NM_133378.4); c.39261_39268del, p.Gln13087fs (NM_133432.3); c.39462_39469del, p.Gln13154fs (NM_133437.4); short protein forms Q12962fs, Q13087fs, Q13154fs, Q19459fs, Q20386fs, Q22027fs.
Identifiers: ClinVar variation 3757257 (VCV003757257.2).